The following is an entry in ClinVar:

NM_032638.5(GATA2):c.487G>A (p.Ala163Thr)

Gene: GATA2 (GATA binding protein 2; minus strand). Cytogenetic location: 3q21.3.
Variant type: single nucleotide variant.
Coding change: c.487G>A on transcript NM_032638.5 (MANE Select); coding-DNA position 487, G replaced by A.
Protein change: p.Ala163Thr; replaces alanine 163 with threonine.
Molecular consequence: missense variant.
Genome position (GRCh38, 1-based): chr3:128,486,111, C>T on the plus strand (G>A on the coding strand, the complement: GATA2 is on the minus strand). VCF-style: chr3-128486111-C-T. GRCh37 (hg19) VCF-style: chr3-128204954-C-T.
Other names: c.487G>A, p.Ala163Thr (NM_001145661.2, NM_001145662.1); short protein forms A163T.
Identifiers: ClinVar variation 970587 (VCV000970587.12), dbSNP rs897072411, ClinGen allele CA83371986.

ClinVar aggregate classification (germline): Uncertain significance. Review status: criteria provided, multiple submitters, no conflicts (2 of 4 stars). 3 submissions from 3 submitters: Uncertain significance (3). Last evaluated 2025-12-11.

Conditions:
Acute myeloid leukemia (AML). Also called: Acute myeloid leukemia, adult; AML adult; Acute non-lymphocytic leukemia; Acute granulocytic leukemia; Leukemia, acute myelogenous, somatic; Leukemia, acute myeloid, somatic. Identifiers: Orphanet 519, MedGen C0023467, MeSH D015470, MONDO:0018874, OMIM 601626, HP:0004808. Disease mechanism: Constitutively activated FLT3.
Deafness-lymphedema-leukemia syndrome. Also called: Lymphedema, primary, with myelodysplasia; Emberger syndrome. Identifiers: Orphanet 3226, MedGen C3279664, MONDO:0013540, OMIM 614038.
Monocytopenia with susceptibility to infections. Also called: Dendritic cell, monocyte, B lymphocyte, and natural killer lymphocyte deficiency; MONOCYTOPENIA AND MYCOBACTERIAL INFECTION SYNDROME; MONOCYTOPENIA WITH SUSCEPTIBILITY TO MYCOBACTERIAL, FUNGAL, AND PAPILLOMAVIRUS INFECTIONS AND MYELODYSPLASIA; COMBINED IMMUNODEFICIENCY WITH SUSCEPTIBILITY TO MYCOBACTERIAL, VIRAL, AND FUNGAL INFECTIONS; GATA2 DEFICIENCY; IMMUNODEFICIENCY 21. Identifiers: Orphanet 228423, MedGen C3280030, MONDO:0013607, OMIM 614172.
Inborn genetic diseases. Identifiers: MedGen C0950123, MeSH D030342.

Allele frequency attached by ClinVar (database versions not stated): gnomAD 0.00001; TOPMed 0.00001.
gnomAD v4.1: 1 of 1,612,658 alleles (0.000062%); highest among the groups gnomAD compares: African/African-American, 0.0013%; no homozygotes.

Submissions (3):

Ambry Genetics
Classification: Uncertain significance for Inborn genetic diseases. Last evaluated: 2025-12-11. Review status: criteria provided, single submitter. Criteria: Ambry Variant Classification Scheme 2023. Collection method: clinical testing. Allele origin: germline.
Comment: The p.A163T variant (also known as c.487G>A), located in coding exon 2 of the GATA2 gene, results from a G to A substitution at nucleotide position 487. The alanine at codon 163 is replaced by threonine, an amino acid with similar properties. This amino acid position is not well conserved in available vertebrate species. In addition, the in silico prediction for this alteration is inconclusive. Based on the available evidence, the clinical significance of this variant remains unclear.

Baylor Genetics
Classification: Uncertain significance for Acute myeloid leukemia. Last evaluated: 2023-11-17. Review status: criteria provided, single submitter. Criteria: ACMG Guidelines, 2015. Collection method: clinical testing. Allele origin: unknown.

Labcorp Genetics (formerly Invitae), Labcorp
Classification: Uncertain significance for Monocytopenia with susceptibility to infections; Deafness-lymphedema-leukemia syndrome. Last evaluated: 2023-03-24. Review status: criteria provided, single submitter. Criteria: Invitae Variant Classification Sherloc (09022015). Collection method: clinical testing. Allele origin: germline.
Comment: This variant is not present in population databases (gnomAD no frequency). In summary, the available evidence is currently insufficient to determine the role of this variant in disease. Therefore, it has been classified as a Variant of Uncertain Significance. RNA analysis performed to evaluate the impact of this missense change on mRNA splicing indicates it does not significantly alter splicing (Invitae). Advanced modeling of protein sequence and biophysical properties (such as structural, functional, and spatial information, amino acid conservation, physicochemical variation, residue mobility, and thermodynamic stability) performed at Invitae indicates that this missense variant is not expected to disrupt GATA2 protein function. ClinVar contains an entry for this variant (Variation ID: 970587). This variant has not been reported in the literature in individuals affected with GATA2-related conditions. This sequence change replaces alanine, which is neutral and non-polar, with threonine, which is neutral and polar, at codon 163 of the GATA2 protein (p.Ala163Thr).